The following is an entry in ClinVar:

NM_000038.6(APC):c.4642A>T (p.Asn1548Tyr)

Gene: APC (APC regulator of Wnt signaling pathway; plus strand). Cytogenetic location: 5q22.2.
Variant type: single nucleotide variant.
Coding change: c.4642A>T on transcript NM_000038.6 (MANE Select); coding-DNA position 4642, A replaced by T.
Protein change: p.Asn1548Tyr; replaces asparagine 1548 with tyrosine.
Molecular consequence: missense variant.
Genome position (GRCh38, 1-based): chr5:112,840,236, A>T. VCF-style: chr5-112840236-A-T. GRCh37 (hg19) VCF-style: chr5-112175933-A-T.
Other names: c.4558A>T, p.Asn1520Tyr (NM_001354899.2); c.4519A>T, p.Asn1507Tyr (NM_001354900.2); c.4465A>T, p.Asn1489Tyr (NM_001354901.2); c.4369A>T, p.Asn1457Tyr (NM_001354902.2); c.4339A>T, p.Asn1447Tyr (NM_001354903.2); c.4264A>T, p.Asn1422Tyr (NM_001354904.2); c.4162A>T, p.Asn1388Tyr (NM_001354905.2); c.3793A>T, p.Asn1265Tyr (NM_001354906.2); and 5 more; short protein forms N1388Y, N1422Y, N1457Y, N1520Y, N1523Y, N1530Y, N1447Y, N1489Y.
Identifiers: ClinVar variation 948597 (VCV000948597.13), dbSNP rs1765729159, ClinGen allele CA16031504.
Genomic context (GRCh38, chr5:112,840,236, plus strand): 5'-GTTCAGGAAAATGACAATGGGAATGAAACAGAATCAGAGCAGCCTAAAGAATCAAATGAA[A>T]ACCAAGAGAAAGAGGCAGAAAAAACTATTGATTCTGAAAAGGACCTATTAGATGATTCAG-3'
Protein context (NP_000029.2, residues 1538-1558): ESEQPKESNE[Asn1548Tyr]QEKEAEKTID

ClinVar aggregate classification (germline): Uncertain significance. Review status: criteria provided, multiple submitters, no conflicts (2 of 4 stars). 2 submissions from 2 submitters: Uncertain significance (2). Last evaluated 2021-06-28.

Conditions:
Hereditary cancer-predisposing syndrome. Also called: Hereditary neoplastic syndrome; Neoplastic Syndromes, Hereditary; Tumor predisposition; Hereditary Cancer Syndrome. Identifiers: Orphanet 140162, MedGen C0027672, MeSH D009386, MONDO:0015356.
Familial adenomatous polyposis 1 (FAP1). Also called: FAMILIAL ADENOMATOUS POLYPOSIS 1, ATTENUATED; POLYPOSIS, ADENOMATOUS INTESTINAL. Identifiers: MedGen C2713442, MONDO:0021056, OMIM 175100. Disease mechanism: loss of function.

Submissions (2):

Ambry Genetics
Classification: Uncertain significance for Hereditary cancer-predisposing syndrome. Last evaluated: 2021-06-28. Review status: criteria provided, single submitter. Criteria: Ambry Variant Classification Scheme 2023. Collection method: clinical testing. Allele origin: germline.
Comment: The p.N1548Y variant (also known as c.4642A>T), located in coding exon 15 of the APC gene, results from an A to T substitution at nucleotide position 4642. The asparagine at codon 1548 is replaced by tyrosine, an amino acid with dissimilar properties. This amino acid position is not well conserved in available vertebrate species. In addition, in silico predictors for this gene do not accurately predict pathogenicity. Since supporting evidence is limited at this time, the clinical significance of this alteration remains unclear.

Labcorp Genetics (formerly Invitae), Labcorp
Classification: Uncertain significance for Familial adenomatous polyposis 1. Last evaluated: 2019-04-10. Review status: criteria provided, single submitter. Criteria: Invitae Variant Classification Sherloc (09022015). Collection method: clinical testing. Allele origin: germline.
Comment: This variant is not present in population databases (ExAC no frequency). This variant has not been reported in the literature in individuals with APC-related disease. Algorithms developed to predict the effect of missense changes on protein structure and function do not agree on the potential impact of this missense change (SIFT: "Deleterious"; PolyPhen-2: "Benign"; Align-GVGD: "Class C0"). In summary, the available evidence is currently insufficient to determine the role of this variant in disease. Therefore, it has been classified as a Variant of Uncertain Significance. This sequence change replaces asparagine with tyrosine at codon 1548 of the APC protein (p.Asn1548Tyr). The asparagine residue is moderately conserved and there is a large physicochemical difference between asparagine and tyrosine.